The following is an entry in ClinVar:

ClinVar aggregate classification (germline): Uncertain significance (1 of 4 stars; one submission).

Conditions:
Early-infantile DEE. Also called: Ohtahara syndrome; Early infantile epileptic encephalopathy with suppression bursts; Early infantile epileptic encephalopathy. Identifiers: Orphanet 1934, MedGen C0393706, MONDO:0800491.

Submission:

Labcorp Genetics (formerly Invitae), Labcorp
Classification: Uncertain significance for Early-infantile DEE. Last evaluated: 2024-12-29. Review status: criteria provided, single submitter. Criteria: Invitae Variant Classification Sherloc (09022015). Collection method: clinical testing. Allele origin: germline.
Comment: This sequence change replaces arginine, which is basic and polar, with glycine, which is neutral and non-polar, at codon 195 of the HCN1 protein (p.Arg195Gly). This variant is not present in population databases (gnomAD no frequency). This variant has not been reported in the literature in individuals affected with HCN1-related conditions. Invitae Evidence Modeling of protein sequence and biophysical properties (such as structural, functional, and spatial information, amino acid conservation, physicochemical variation, residue mobility, and thermodynamic stability) has been performed for this missense variant. However, the output from this modeling did not meet the statistical confidence thresholds required to predict the impact of this variant on HCN1 protein function. This variant disrupts the p.Arg195 amino acid residue in HCN1. Other variant(s) that disrupt this residue have been determined to be pathogenic (internal data). This suggests that this residue is clinically significant, and that variants that disrupt this residue are likely to be disease-causing. In summary, the available evidence is currently insufficient to determine the role of this variant in disease. Therefore, it has been classified as a Variant of Uncertain Significance.

NM_021072.4(HCN1):c.583A>G (p.Arg195Gly)

Gene: HCN1 (hyperpolarization activated cyclic nucleotide gated potassium channel 1; minus strand). Cytogenetic location: 5p12.
Variant type: single nucleotide variant.
Coding change: c.583A>G on transcript NM_021072.4 (MANE Select); coding-DNA position 583, A replaced by G.
Protein change: p.Arg195Gly; replaces arginine 195 with glycine.
Molecular consequence: missense variant.
Genome position (GRCh38, 1-based): chr5:45,645,451, T>C on the plus strand (A>G on the coding strand, the complement: HCN1 is on the minus strand). VCF-style: chr5-45645451-T-C. GRCh37 (hg19) VCF-style: chr5-45645553-T-C.
Other names: short protein forms R195G.
Identifiers: ClinVar variation 3720643 (VCV003720643.2).